The following is an entry in ClinVar:

ClinVar aggregate classification (germline): Uncertain significance (1 of 4 stars; one submission).

Submission:

ISCA site 14
Classification: Uncertain significance. Last evaluated: 2011-08-12. Review status: criteria provided, single submitter. Criteria: Kaminsky et al. (Genet Med. 2011). Collection method: clinical testing. Allele origin: maternal. Affected: yes. Observed: 1 variant allele.
Comment: Copy number variation identified through the course of routine clinical cytogenomic testing in postnatal populations. Clinical assertions have been curated as described in Kaminsky et al. 2011.

GRCh38/hg38 5p15.33(chr5:22149-138331)x1

Genes: PLEKHG4B (pleckstrin homology and RhoGEF domain containing G4B; plus strand), LOC123493256 (Sharpr-MPRA regulatory region 259; plus strand). Cytogenetic location: 5p15.33.
Variant type: copy number loss.
Change: copy number 1 (one copy instead of two) of chr5:22,149-138,331 (116.2 kb, GRCh38 coordinates, 1-based), cytogenetic band 5p15.33.
Identifiers: ClinVar variation 60225 (VCV000060225.1).